The following is an entry in ClinVar:

NM_000548.5(TSC2):c.4351dup (p.Arg1451fs)

Gene: TSC2 (TSC complex subunit 2; plus strand). Cytogenetic location: 16p13.3.
Variant type: Duplication.
Coding change: c.4351dup on transcript NM_000548.5 (MANE Select); coding-DNA position 4351, one base duplicated (C; older notation c.4351dupC).
Protein change: p.Arg1451fs; shifts the reading frame from arginine 1451.
Molecular consequence: frameshift variant.
Genome position (GRCh38, 1-based): chr16:2,084,573, C duplicated; the last of 6 consecutive C bases (chr16:2,084,568-2,084,573); duplicating any one gives the same sequence. VCF-style (leftmost placement, unchanged base first): chr16-2084567-T-TC. GRCh37 (hg19) VCF-style: chr16-2134568-T-TC.
Other names: c.4150dup, p.Arg1384fs (NM_001077183.3); c.4282dup, p.Arg1428fs (NM_001114382.3); c.4042dup, p.Arg1348fs (NM_001318827.2); c.4006dup, p.Arg1336fs (NM_001318829.2); c.3619dup, p.Arg1207fs (NM_001318831.2); c.4183dup, p.Arg1395fs (NM_001318832.2); c.4153dup, p.Arg1385fs (NM_001363528.2); c.4219dup, p.Arg1407fs (NM_001370404.1); and 2 more; short protein forms R1336fs, R1348fs, R1395fs, R1428fs, R1207fs, R1385fs, R1407fs, R1408fs.
Identifiers: ClinVar variation 65040 (VCV000065040.9), dbSNP rs397514939, ClinGen allele CA020298.

ClinVar aggregate classification (germline): Pathogenic/Likely pathogenic. Review status: criteria provided, multiple submitters, no conflicts (2 of 4 stars). 6 submissions from 6 submitters: Pathogenic (4); Likely pathogenic (1). 1 of the submissions does not count toward it. Last evaluated 2025-12-11.

Conditions:
Hereditary cancer-predisposing syndrome. Also called: Hereditary Cancer Syndrome; Neoplastic Syndromes, Hereditary; Tumor predisposition; Hereditary neoplastic syndrome. Identifiers: Orphanet 140162, MedGen C0027672, MeSH D009386, MONDO:0015356.
Tuberous sclerosis syndrome (TSC). Also called: Tuberous sclerosis; Tuberous Sclerosis Complex. Identifiers: Orphanet 805, MedGen C0041341, MONDO:0001734.
Tuberous sclerosis 2 (TSC2). Identifiers: Orphanet 805, MedGen C1860707, MONDO:0013199, OMIM 613254.

Submissions (6):

Variantyx, Inc.
Classification: Pathogenic for Tuberous sclerosis 2. Last evaluated: 2025-12-11. Review status: criteria provided, single submitter. Criteria: Variantyx Assertion Criteria 2022. Collection method: clinical testing. Allele origin: de novo. Inheritance: Autosomal dominant inheritance. Affected: yes.
Comment: This is a frameshift variant in the TSC2 gene (OMIM: 191092). Pathogenic variants in this gene have been associated with autosomal dominant tuberous sclerosis 2. This variant likely occurred de novo in individuals reported in the published literature; however, the possibility of parental germline mosaicism cannot be excluded (PMID: 32211034) (PS2). The alteration introduces a premature termination codon in exon 34 out of 42and is expected to result in loss of function, which is a known disease mechanism for TSC2 in this disorder (PMID: 10205261) (PVS1). This variant has been reported in at least one affected individual (PMID: 39352229) (PS4), while it is absent from control populations (PM2). Based on the current evidence, this variant is classified as pathogenic for autosomal dominant tuberous sclerosis 2.

Genomic Medicine Center of Excellence, King Faisal Specialist Hospital and Research Centre
Classification: Pathogenic for Tuberous sclerosis 2. Last evaluated: 2025-09-10. Review status: criteria provided, single submitter. Criteria: ACMG Guidelines, 2015. Collection method: clinical testing. Allele origin: germline.

Ambry Genetics
Classification: Pathogenic for Hereditary cancer-predisposing syndrome. Last evaluated: 2025-01-23. Review status: criteria provided, single submitter. Criteria: Ambry Variant Classification Scheme 2023. Collection method: clinical testing. Allele origin: germline.
Comment: The c.4351dupC pathogenic mutation, located in coding exon 33 of the TSC2 gene, results from a duplication of C at nucleotide position 4351, causing a translational frameshift with a predicted alternate stop codon (p.R1451Pfs*73). This variant was reported in individual(s) with features consistent with Tuberous sclerosis complex (Chung CWT et al. Mol Genet Genomic Med, 2024 Oct;12:e70017; Ding Y et al. Seizure, 2021 Oct;91:273-277). This variant is considered to be rare based on population cohorts in the Genome Aggregation Database (gnomAD). In addition to the clinical data presented in the literature, this alteration is expected to result in loss of function by premature protein truncation or nonsense-mediated mRNA decay. As such, this alteration is interpreted as a disease-causing mutation.

Labcorp Genetics (formerly Invitae), Labcorp
Classification: Pathogenic for Tuberous sclerosis 2. Last evaluated: 2024-11-26. Review status: criteria provided, single submitter. Criteria: Invitae Variant Classification Sherloc (09022015). Collection method: clinical testing. Allele origin: germline.
Comment: This sequence change creates a premature translational stop signal (p.Arg1451Profs*73) in the TSC2 gene. It is expected to result in an absent or disrupted protein product. Loss-of-function variants in TSC2 are known to be pathogenic (PMID: 10205261, 17304050). This variant is not present in population databases (gnomAD no frequency). This premature translational stop signal has been observed in individual(s) with tuberous sclerosis (PMID: 32211034). ClinVar contains an entry for this variant (Variation ID: 65040). For these reasons, this variant has been classified as Pathogenic.

Neuberg Centre For Genomic Medicine, NCGM
Classification: Likely pathogenic for Tuberous sclerosis 2. Review status: criteria provided, single submitter. Criteria: ACMG Guidelines, 2015. Collection method: clinical testing. Allele origin: germline. Inheritance: Autosomal dominant inheritance. Affected: yes.
Comment: The frameshift duplication p.R1451Pfs*73 in TSC2 (NM_000548.5) has been reported in ClinVar as Pathogenic. The p.R1451Pfs*73 variant is novel (not in any individuals) in gnomAD Exomes and is novel (not in any individuals) in 1000 Genomes. This variant is predicted to cause loss of normal protein function through protein truncation. The frame shifted sequence continues 73 residues until a stop codon is reached. For these reasons, this variant has been classified as Likely Pathogenic.

Tuberous sclerosis database (TSC2)
No classification provided. Condition: TSC. Review status: no classification provided. Criteria: Tuberous Sclerosis Database Assertion Criteria 2015. Collection method: curation. Allele origin: germline. Affected: yes. Not counted in ClinVar's aggregate classification.

Literature cited by the submitters: PubMed 39352229 (cited by Variantyx, Inc. and Ambry Genetics); PubMed 32211034 (cited by Variantyx, Inc. and Labcorp Genetics (formerly Invitae), Labcorp); PubMed 34252879 (cited by Ambry Genetics); PubMed 10205261 (cited by Labcorp Genetics (formerly Invitae), Labcorp); PubMed 17304050 (cited by Labcorp Genetics (formerly Invitae), Labcorp).